The following is an entry in ClinVar:

ClinVar aggregate classification (germline): Uncertain significance (1 of 4 stars; one submission).

Conditions:
Hyperekplexia 3 (HKPX3). Also called: HYPEREKPLEXIA 3, AUTOSOMAL RECESSIVE; HYPEREKPLEXIA 3, AUTOSOMAL DOMINANT. Identifiers: Orphanet 3197, MedGen C3553288, MONDO:0013827, OMIM 614618.

Allele frequency attached by ClinVar (database versions not stated): gnomAD exomes below 0.00001.
gnomAD v4.1: 1 of 1,613,932 alleles (0.000062%); highest among the groups gnomAD compares: Non-Finnish European, 0.000085%; no homozygotes.

Submission:

Labcorp Genetics (formerly Invitae), Labcorp
Classification: Uncertain significance for Hyperekplexia 3. Last evaluated: 2022-07-05. Review status: criteria provided, single submitter. Criteria: Invitae Variant Classification Sherloc (09022015). Collection method: clinical testing. Allele origin: germline.
Comment: This sequence change replaces threonine, which is neutral and polar, with isoleucine, which is neutral and non-polar, at codon 366 of the SLC6A5 protein (p.Thr366Ile). This variant is present in population databases (no rsID available, gnomAD 0.0009%). This variant has not been reported in the literature in individuals affected with SLC6A5-related conditions. Advanced modeling of protein sequence and biophysical properties (such as structural, functional, and spatial information, amino acid conservation, physicochemical variation, residue mobility, and thermodynamic stability) performed at Invitae indicates that this missense variant is not expected to disrupt SLC6A5 protein function. In summary, the available evidence is currently insufficient to determine the role of this variant in disease. Therefore, it has been classified as a Variant of Uncertain Significance.

NM_004211.5(SLC6A5):c.1097C>T (p.Thr366Ile)

Gene: SLC6A5 (solute carrier family 6 member 5; plus strand). Cytogenetic location: 11p15.1.
Variant type: single nucleotide variant.
Coding change: c.1097C>T on transcript NM_004211.5 (MANE Select); coding-DNA position 1097, C replaced by T.
Protein change: p.Thr366Ile; replaces threonine 366 with isoleucine.
Molecular consequence: missense variant.
Genome position (GRCh38, 1-based): chr11:20,614,790, C>T. VCF-style: chr11-20614790-C-T. GRCh37 (hg19) VCF-style: chr11-20636336-C-T.
Other names: c.395C>T, p.Thr132Ile (NM_001318369.2); short protein forms T132I, T366I.
Identifiers: ClinVar variation 2080378 (VCV002080378.4), dbSNP rs1331727512, ClinGen allele CA379915767.